The following is an entry in ClinVar:

NM_014915.3(ANKRD26):c.1853C>G (p.Thr618Ser)

Gene: ANKRD26 (ankyrin repeat domain containing 26; minus strand). Cytogenetic location: 10p12.1.
Variant type: single nucleotide variant.
Coding change: c.1853C>G on transcript NM_014915.3 (MANE Select); coding-DNA position 1853, C replaced by G.
Protein change: p.Thr618Ser; replaces threonine 618 with serine.
Molecular consequence: missense variant.
Genome position (GRCh38, 1-based): chr10:27,046,485, G>C on the plus strand (C>G on the coding strand, the complement: ANKRD26 is on the minus strand). VCF-style: chr10-27046485-G-C. GRCh37 (hg19) VCF-style: chr10-27335414-G-C.
Other names: c.1850C>G, p.Thr617Ser (NM_001256053.2); short protein forms T618S, T617S.
Identifiers: ClinVar variation 4104224 (VCV004104224.1).

ClinVar aggregate classification (germline): Uncertain significance (1 of 4 stars; one submission).

Conditions:
Inborn genetic diseases. Identifiers: MedGen C0950123, MeSH D030342.

Submission:

Ambry Genetics
Classification: Uncertain significance for Inborn genetic diseases. Last evaluated: 2025-08-15. Review status: criteria provided, single submitter. Criteria: Ambry Variant Classification Scheme 2023. Collection method: clinical testing. Allele origin: germline.
Comment: The p.T618S variant (also known as c.1853C>G), located in coding exon 18 of the ANKRD26 gene, results from a C to G substitution at nucleotide position 1853. The threonine at codon 618 is replaced by serine, an amino acid with similar properties. This amino acid position is conserved. In addition, this alteration is predicted to be tolerated by in silico analysis. Based on the available evidence, the clinical significance of this variant remains unclear.